The following is an entry in ClinVar:

ClinVar aggregate classification (germline): Uncertain significance (1 of 4 stars; one submission).

Submission:

GeneDx
Classification: Uncertain significance. Last evaluated: 2022-07-19. Review status: criteria provided, single submitter. Criteria: GeneDx Variant Classification Process June 2021. Collection method: clinical testing. Allele origin: germline. Affected: yes.
Comment: Not observed at significant frequency in large population cohorts (gnomAD); In silico analysis supports that this missense variant has a deleterious effect on protein structure/function; Has not been previously published as pathogenic or benign to our knowledge

NM_000381.4(MID1):c.1457T>G (p.Phe486Cys)

Gene: MID1 (midline 1; minus strand). Cytogenetic location: Xp22.2.
Variant type: single nucleotide variant.
Coding change: c.1457T>G on transcript NM_000381.4 (MANE Select); coding-DNA position 1457, T replaced by G.
Protein change: p.Phe486Cys; replaces phenylalanine 486 with cysteine.
Molecular consequence: missense variant.
Genome position (GRCh38, 1-based): chrX:10,455,068, A>C on the plus strand (T>G on the coding strand, the complement: MID1 is on the minus strand). VCF-style: chrX-10455068-A-C. GRCh37 (hg19) VCF-style: chrX-10423108-A-C.
Other names: c.1457T>G, p.Phe486Cys (NM_001098624.2, NM_001193277.1, NM_001347733.2 and 1 more transcripts); c.1343T>G, p.Phe448Cys (NM_033289.2); short protein forms F448C, F486C.
Identifiers: ClinVar variation 2136026 (VCV002136026.1), dbSNP rs55986608, ClinGen allele CA412051010.